The following is an entry in ClinVar:

NM_002485.5(NBN):c.205_212del (p.Lys69fs)

Gene: NBN (nibrin; minus strand). Cytogenetic location: 8q21.3.
Variant type: Deletion.
Coding change: c.205_212del on transcript NM_002485.5 (MANE Select); coding-DNA positions 205 to 212, 8 bases deleted (AAAGATAA; older notation c.205_212delAAAGATAA).
Protein change: p.Lys69fs; shifts the reading frame from lysine 69.
Molecular consequence: frameshift variant. On other transcripts: 5 prime UTR variant (1).
Genome position (GRCh38, 1-based): chr8:89,981,483-89,981,490, TTATCTTT deleted on the plus strand (AAAGATAA on the coding strand, the reverse complement: NBN is on the minus strand); deleting any 8 consecutive bases within chr8:89,981,483-89,981,491 gives the same sequence; the c. name uses the placement nearest the transcript's 3' end. VCF-style (leftmost placement, unchanged base first): chr8-89981482-ATTATCTTT-A. GRCh37 (hg19) VCF-style: chr8-90993710-ATTATCTTT-A.
Other names: c.-42_-35del (NM_001024688.3); short protein forms K69fs.
Identifiers: ClinVar variation 1393646 (VCV001393646.6), dbSNP rs2129915884, ClinGen allele CA2573143455.

ClinVar aggregate classification (germline): Pathogenic (1 of 4 stars; one submission).

Conditions:
Microcephaly, normal intelligence and immunodeficiency (NBS). Also called: SEEMANOVA SYNDROME II; IMMUNODEFICIENCY, MICROCEPHALY, AND CHROMOSOMAL INSTABILITY; Immunodeficiency, microcephaly with normal intelligence; BERLIN BREAKAGE SYNDROME; Nijmegen breakage syndrome; Microcephaly with normal intelligence immunodeficiency and lymphoreticular malignancies. Identifiers: Orphanet 647, MedGen C0398791, MONDO:0009623, OMIM 251260.

Submission:

Labcorp Genetics (formerly Invitae), Labcorp
Classification: Pathogenic for Microcephaly, normal intelligence and immunodeficiency. Last evaluated: 2021-09-18. Review status: criteria provided, single submitter. Criteria: Invitae Variant Classification Sherloc (09022015). Collection method: clinical testing. Allele origin: germline.
Comment: This variant has not been reported in the literature in individuals affected with NBN-related conditions. For these reasons, this variant has been classified as Pathogenic. This variant is not present in population databases (ExAC no frequency). This sequence change creates a premature translational stop signal (p.Lys69Phefs*2) in the NBN gene. It is expected to result in an absent or disrupted protein product. Loss-of-function variants in NBN are known to be pathogenic (PMID: 9590180, 16415040).

Literature cited by the submitters: PubMed 9590180; PubMed 16415040.